The following is an entry in ClinVar:

ClinVar aggregate classification (germline): Likely pathogenic (1 of 4 stars; one submission).

Submission:

GeneDx
Classification: Likely pathogenic. Last evaluated: 2025-06-10. Review status: criteria provided, single submitter. Criteria: GeneDx Variant Classification Process June 2021. Collection method: clinical testing. Allele origin: germline. Affected: yes.
Comment: Nonsense variant predicted to result in protein truncation or nonsense mediated decay in a gene for which loss of function is a known mechanism of disease; Not observed at significant frequency in large population cohorts (gnomAD); Has not been previously published as pathogenic or benign to our knowledge

NM_001478.5(B4GALNT1):c.675C>G (p.Tyr225Ter)

Gene: B4GALNT1 (beta-1,4-N-acetyl-galactosaminyltransferase 1; minus strand). Cytogenetic location: 12q13.3.
Variant type: single nucleotide variant.
Coding change: c.675C>G on transcript NM_001478.5 (MANE Select); coding-DNA position 675, C replaced by G.
Protein change: p.Tyr225Ter; replaces tyrosine 225 with a stop codon.
Molecular consequence: nonsense. On other transcripts: 5 prime UTR variant (4).
Genome position (GRCh38, 1-based): chr12:57,630,189, G>C on the plus strand (C>G on the coding strand, the complement: B4GALNT1 is on the minus strand). VCF-style: chr12-57630189-G-C. GRCh37 (hg19) VCF-style: chr12-58023972-G-C.
Other names: c.510C>G, p.Tyr170Ter (NM_001276468.2, NM_001413978.1); c.675C>G, p.Tyr225Ter (NM_001276469.2, NM_001413967.1, NM_001413968.1 and 9 more transcripts); c.-313C>G (NM_001413981.1, NM_001413982.1, NM_001413983.1 and 1 more transcripts); short protein forms Y170*, Y225*.
Identifiers: ClinVar variation 4537887 (VCV004537887.1).